The following is an entry in ClinVar:

ClinVar aggregate classification (germline): Pathogenic/Likely pathogenic. Review status: criteria provided, multiple submitters, no conflicts (2 of 4 stars). 13 submissions from 13 submitters: Pathogenic (11); Likely pathogenic (2). Last evaluated 2026-01-01.

Conditions:
Inborn genetic diseases. Identifiers: MedGen C0950123, MeSH D030342.
Mucopolysaccharidosis, MPS-III-A (MPS3A). Also called: Mucopolysaccharidosis, type IIIA; MPS III A; mucopolysaccharidosis type 3A; MPS IIIA (Sanfilippo Syndrome Type A); HEPARAN SULFATE SULFATASE DEFICIENCY; SANFILIPPO SYNDROME A. Identifiers: Orphanet 581, Orphanet 79269, MedGen C0086647, MONDO:0009655, OMIM 252900.

Allele frequency attached by ClinVar (database versions not stated): gnomAD 0.00001; gnomAD exomes 0.00001 and 0.00004; ExAC 0.00002.
gnomAD v4.1: 23 of 1,613,882 alleles (0.0014%); highest among the groups gnomAD compares: South Asian, 0.013%; no homozygotes.

Submissions (13):

CeGaT Center for Human Genetics Tuebingen
Classification: Likely pathogenic. Last evaluated: 2026-01-01. Review status: criteria provided, single submitter. Criteria: CeGaT Center For Human Genetics Tuebingen Variant Classification Criteria Version 2. Collection method: clinical testing. Allele origin: germline. Affected: yes. Observed: 1 variant allele.
Comment: SGSH: PM3:Strong, PM2, PM5

Natera, Inc.
Classification: Pathogenic for Mucopolysaccharidosis type IIIA. Last evaluated: 2025-07-10. Review status: criteria provided, single submitter. Criteria: Natera Variant Classification Schema (03/2026). Collection method: clinical testing. Allele origin: germline.
Comment: The c.1129C>T variant in SGSH is a missense variant predicted to cause substitution of arginine to cysteine at amino acid 377. This variant is rare in the general population with a frequency below the threshold expected for the associated phenotype(s). This variant has been observed in one or more individuals affected with the associated recessive disease, as either homozygous or compound heterozygous with a second variant (PMID: 21204211, 30070758, 21910976). Computational prediction algorithms indicate this variant is likely to affect gene or protein function. Given the available evidence, this variant is classified as Pathogenic.

Myriad Genetics, Inc.
Classification: Pathogenic for Mucopolysaccharidosis, MPS-III-A. Last evaluated: 2025-02-14. Review status: criteria provided, single submitter. Criteria: Myriad Autosomal Dominant, Autosomal Recessive and X-Linked Classification Criteria (2023). Collection method: clinical testing. Allele origin: unknown.
Comment: NM_000199.3(SGSH):c.1129C>T(R377C) is a missense variant classified as pathogenic in the context of mucopolysaccharidosis type IIIA. R377C has been observed in cases with relevant disease (PMID: 12000360, 21910976, 19099774, 9554748, 21204211). Relevant functional assessments of this variant are available in the literature (PMID: 12000360, 10727844). Internal structural analysis of the variant is supportive of pathogenicity. R377C has been observed in referenced population frequency databases. In summary, NM_000199.3(SGSH):c.1129C>T(R377C) is a missense variant that has both functional and internal structural support for pathogenicity and has been observed more frequently in cases with the relevant disease than in healthy populations. Please note: this variant was assessed in the context of healthy population screening.

3billion
Classification: Pathogenic for Mucopolysaccharidosis, MPS-III-A. Last evaluated: 2024-12-10. Review status: criteria provided, single submitter. Criteria: ACMG Guidelines, 2015. Collection method: clinical testing. Allele origin: germline. Affected: yes.
Comment: The variant is observed at an extremely low frequency in the gnomAD v4.1.0 dataset (total allele frequency: 0.001%). Predicted Consequence/Location: Missense variant Functional studies provide supporting evidence of the variant having a damaging effect on the gene or gene product (PMID: 12000360). In silico tool predictions suggest damaging effect of the variant on gene or gene product [REVEL: 0.88 (>=0.6, sensitivity 0.68 and specificity 0.92)]. The same nucleotide change resulting in the same amino acid change has been previously reported as pathogenic/likely pathogenic with strong evidence (ClinVar ID: VCV000559103 /PMID: -, 9554748). The variant has been reported to be in trans with a pathogenic variant as either compound heterozygous or homozygous in at least one similarly affected unrelated individual (PMID: 21910976, 9554748). Different missense changes at the same codon (p.Arg377His, p.Arg377Leu, p.Arg377Ser) have been reported as pathogenic/likely pathogenic with strong evidence (ClinVar ID: VCV001297691, VCV001978990 /PMID: 22976768, 9285796). Therefore, this variant is classified as Pathogenic according to the recommendation of ACMG/AMP guideline.

Labcorp Genetics (formerly Invitae), Labcorp
Classification: Pathogenic for Mucopolysaccharidosis, MPS-III-A. Last evaluated: 2024-11-13. Review status: criteria provided, single submitter. Criteria: Invitae Variant Classification Sherloc (09022015). Collection method: clinical testing. Allele origin: germline.
Comment: This sequence change replaces arginine, which is basic and polar, with cysteine, which is neutral and slightly polar, at codon 377 of the SGSH protein (p.Arg377Cys). This variant is present in population databases (rs772311757, gnomAD 0.02%). This missense change has been observed in individual(s) with mucopolysaccharidosis type III (PMID: 9554748, 12000360, 19099774, 21910976). In at least one individual the data is consistent with being in trans (on the opposite chromosome) from a pathogenic variant. It has also been observed to segregate with disease in related individuals. ClinVar contains an entry for this variant (Variation ID: 559103). Invitae Evidence Modeling of protein sequence and biophysical properties (such as structural, functional, and spatial information, amino acid conservation, physicochemical variation, residue mobility, and thermodynamic stability) indicates that this missense variant is expected to disrupt SGSH protein function with a positive predictive value of 95%. Experimental studies have shown that this missense change affects SGSH function (PMID: 10727844, 12000360). For these reasons, this variant has been classified as Pathogenic.

Mayo Clinic Laboratories, Mayo Clinic
Classification: Pathogenic. Last evaluated: 2024-04-09. Review status: criteria provided, single submitter. Criteria: ACMG Guidelines, 2015. Collection method: clinical testing. Allele origin: germline.
Comment: PP4, PM1, PM2_moderate, PM3, PM5, PS3

Fulgent Genetics
Classification: Pathogenic for Mucopolysaccharidosis, MPS-III-A. Last evaluated: 2024-04-06. Review status: criteria provided, single submitter. Criteria: ACMG Guidelines, 2015. Collection method: clinical testing. Allele origin: germline.

Women's Health and Genetics/Laboratory Corporation of America, LabCorp
Classification: Pathogenic for Mucopolysaccharidosis, MPS-III-A. Last evaluated: 2022-03-10. Review status: criteria provided, single submitter. Criteria: LabCorp Variant Classification Summary - May 2015. Collection method: clinical testing. Allele origin: germline.
Comment: Variant summary: SGSH c.1129C>T (p.Arg377Cys) results in a non-conservative amino acid change in the encoded protein sequence. Five of five in-silico tools predict a damaging effect of the variant on protein function. The variant allele was found at a frequency of 3.6e-05 in 250934 control chromosomes. c.1129C>T has been reported in the literature as homozygous and compound heterozygous genotypes in individuals affected with Mucopolysaccharidosis Type IIIA (Sanfilippo Syndrome A) (example, Di Natale_1998, Espositio_2000, Heron_2011, Quesleti_2011, Lee-Chen_2002). These data indicate that the variant is likely to be associated with disease. At least one publication reports experimental evidence evaluating an impact on protein function (example, Esposito_2000). The most pronounced variant effect results in <10% of Heparan N-sulfatase activity of this mutant transiently transfected in COS cells. Four clinical diagnostic laboratories have submitted clinical-significance assessments for this variant to ClinVar after 2014 without evidence for independent evaluation. All laboratories classified the variant as pathogenic. Based on the evidence outlined above, the variant was classified as pathogenic.

Genome-Nilou Lab
Classification: Pathogenic for Mucopolysaccharidosis, MPS-III-A. Last evaluated: 2021-11-07. Review status: criteria provided, single submitter. Criteria: ACMG Guidelines, 2015. Collection method: clinical testing. Allele origin: germline. Affected: no.

Genetics and Genomic Medicine Centre, NeuroGen Healthcare, NeuroGen Healthcare
Classification: Pathogenic for Mucopolysaccharidosis, MPS-III-A. Last evaluated: 2021-05-06. Review status: criteria provided, single submitter. Criteria: Submitter's publication. Collection method: clinical testing. Allele origin: unknown. Affected: no.

Ambry Genetics
Classification: Pathogenic for Inborn genetic diseases. Last evaluated: 2018-09-24. Review status: criteria provided, single submitter. Criteria: Ambry exome assertion method (8-5-2015). Collection method: clinical testing. Allele origin: germline. Affected: yes. Observed: 1 variant allele.

Foundation for Research in Genetics and Endocrinology, FRIGE's Institute of Human Genetics
Classification: Likely pathogenic for Mucopolysaccharidosis, MPS-III-A. Review status: criteria provided, single submitter. Criteria: ACMG Guidelines, 2015. Collection method: clinical testing. Allele origin: germline. Inheritance: Autosomal recessive inheritance. Affected: yes. Observed: 1 homozygote.
Comment: The homozygous missense variation in exon 8 of SGSH gene that results in the amino acid substitution to cysteine for arginine at codon of 377 was detected. The variant c.1129C>T (p.Arg377Cys) has not been reported in 1000 genome and has a MAF of 0.004% in the gnomAD database. The insilico prediction of the variant is dIsease causing by DANN, FATHMM, SIFT, PROVEAN and MutationTaster.

Neuberg Centre For Genomic Medicine, NCGM
Classification: Pathogenic for Mucopolysaccharidosis, MPS-III-A. Review status: criteria provided, single submitter. Criteria: ACMG Guidelines, 2015. Collection method: clinical testing. Allele origin: germline. Inheritance: Autosomal recessive inheritance. Affected: yes.
Comment: The observed missense c.1129C>T(p.Arg377Cys) in SGSH has been reported in compound heterozygous state in individual(s) affected with mucopolysaccharidosis IIIA (Lee-Chen GJ, et. al.,2002; Di Natale P, et. al., 1998). Experimental studies have shown that this missense change affects SGSH function (Lee-Chen GJ, et. al., 2002). This variant is present with an allele frequency of 0.003% in gnomAD Exomes database. This variant has been submitted to the ClinVar database as Likely pathogenic/ Pathogenic. The reference amino acid in SGSH is predicted as conserved by GERP++ and PhyloP across 100 vertebrates. The amino acid Arg at position 377 is changed to a Cys changing protein sequence and it might alter its composition and physico-chemical properties. For these reasons, this variant has been classified as Pathogenic.

Literature cited by the submitters: PubMed 21204211 (cited by 3 submitters); PubMed 30070758 (cited by Natera, Inc.); PubMed 21910976 (cited by 6 submitters); PubMed 10727844 (cited by 5 submitters); PubMed 12000360 (cited by 5 submitters); PubMed 19099774 (cited by 3 submitters); PubMed 9554748 (cited by 6 submitters); PubMed 22976768 (cited by 3 submitters); PubMed 24816101 (cited by Mayo Clinic Laboratories, Mayo Clinic); PubMed 25807448 (cited by Mayo Clinic Laboratories, Mayo Clinic); PubMed 29023963 (cited by Ambry Genetics); PubMed 9285796 (cited by Ambry Genetics).

NM_000199.5(SGSH):c.1129C>T (p.Arg377Cys)

Gene: SGSH (N-sulfoglucosamine sulfohydrolase; minus strand). Cytogenetic location: 17q25.3.
Variant type: single nucleotide variant.
Coding change: c.1129C>T on transcript NM_000199.5 (MANE Select); coding-DNA position 1129, C replaced by T.
Protein change: p.Arg377Cys; replaces arginine 377 with cysteine.
Molecular consequence: missense variant. On other transcripts: 3 prime UTR variant (2), non-coding transcript variant (1).
Genome position (GRCh38, 1-based): chr17:80,210,832, G>A on the plus strand (C>T on the coding strand, the complement: SGSH is on the minus strand). VCF-style: chr17-80210832-G-A. GRCh37 (hg19) VCF-style: chr17-78184631-G-A.
Other names: p.Arg377Cys; c.*216C>T (NM_001352921.3); c.*179C>T (NM_001352922.2); c.1129C>T (NM_000199.4); short protein forms R377C.
Identifiers: ClinVar variation 559103 (VCV000559103.38), dbSNP rs772311757, ClinGen allele CA8817669.
Genomic context (GRCh38, chr17:80,210,832, plus strand): 5'-GAAAGGGCATCTTGAAGTTGAGGTTGTGCACGAGGCGGAAGTGCCGGTGCTGCACGGAGC[G>A]CATGGGGTAGGACATGGTGACCTCGTGGTGGCTCTGGCTGCCAAAGACGGTGGCCCAGAG-3'
Protein context (NP_000190.1, residues 367-387): HHEVTMSYPM[Arg377Cys]SVQHRHFRLV